The following is an entry in ClinVar:

NM_019055.6(ROBO4):c.2153C>T (p.Pro718Leu)

Gene: ROBO4 (roundabout guidance receptor 4; minus strand). Cytogenetic location: 11q24.2.
Variant type: single nucleotide variant.
Coding change: c.2153C>T on transcript NM_019055.6 (MANE Select); coding-DNA position 2153, C replaced by T.
Protein change: p.Pro718Leu; replaces proline 718 with leucine.
Molecular consequence: missense variant.
Genome position (GRCh38, 1-based): chr11:124,887,403, G>A on the plus strand (C>T on the coding strand, the complement: ROBO4 is on the minus strand). VCF-style: chr11-124887403-G-A. GRCh37 (hg19) VCF-style: chr11-124757299-G-A.
Other names: c.1718C>T, p.Pro573Leu (NM_001301088.2); short protein forms P573L, P718L.
Identifiers: ClinVar variation 3049393 (VCV003049393.2), dbSNP rs74979341, ClinGen allele CA6344685.

ClinVar aggregate classification (germline): Benign (0 of 4 stars; one submission).

Conditions:
ROBO4-related disorder. Also called: ROBO4-related condition.

Allele frequency attached by ClinVar (database versions not stated): ExAC 0.00119; TOPMed 0.00351; 1000 Genomes Project 0.00359; 1000 Genomes Project 30x 0.00359; ESP Exome Variant Server 0.00408.
gnomAD v4.1: 1,006 of 1,614,080 alleles (0.062%); highest among the groups gnomAD compares: African/African-American, 1.2%; 9 homozygotes.

Submission:

PreventionGenetics, part of Exact Sciences
Classification: Benign for ROBO4-related condition. Last evaluated: 2019-10-01. Review status: no assertion criteria provided. Collection method: clinical testing. Allele origin: germline.
Comment: This variant is classified as benign based on ACMG/AMP sequence variant interpretation guidelines (Richards et al. 2015 PMID: 25741868, with internal and published modifications).